The following is an entry in ClinVar:

NM_001385641.1(SAMD11):c.2356C>A (p.Pro786Thr)

Gene: SAMD11 (sterile alpha motif domain containing 11; plus strand). Cytogenetic location: 1p36.33.
Variant type: single nucleotide variant.
Coding change: c.2356C>A on transcript NM_001385641.1 (MANE Select); coding-DNA position 2356, C replaced by A.
Protein change: p.Pro786Thr; replaces proline 786 with threonine.
Molecular consequence: missense variant.
Genome position (GRCh38, 1-based): chr1:943,974, C>A. VCF-style: chr1-943974-C-A. GRCh37 (hg19) VCF-style: chr1-879354-C-A.
Other names: c.2359C>A, p.Pro787Thr (NM_001385640.1); c.1867C>A, p.Pro623Thr (NM_152486.4); short protein forms P623T, P786T, P787T.
Identifiers: ClinVar variation 1379423 (VCV001379423.6), dbSNP rs146050035, ClinGen allele CA337818051.
Genomic context (GRCh38, chr1:943,974, plus strand): 5'-AGGCGCCTGGGCCGAGTTTTCTACGTGGCCAGCTTCCCCGTGGCTCTGCCACTGCAGCCA[C>A]CAACCCTGCGGGCCCCGGAGCGAGAACTCGGCACAGGAGAGCAGCCCTTGTCCCCCACGA-3'
Protein context (NP_001372570.1, residues 776-796): SFPVALPLQP[Pro786Thr]TLRAPERELG

ClinVar aggregate classification (germline): Uncertain significance (1 of 4 stars; one submission).

gnomAD v4.1: 2 of 1,612,716 alleles (0.00012%); highest among the groups gnomAD compares: Admixed American, 0.0017%; no homozygotes.

Submission:

Labcorp Genetics (formerly Invitae), Labcorp
Classification: Uncertain significance. Last evaluated: 2021-09-03. Review status: criteria provided, single submitter. Criteria: Invitae Variant Classification Sherloc (09022015). Collection method: clinical testing. Allele origin: germline.
Comment: This sequence change replaces proline with threonine at codon 623 of the SAMD11 protein (p.Pro623Thr). The proline residue is highly conserved and there is a small physicochemical difference between proline and threonine. This variant is not present in population databases (ExAC no frequency). This variant has not been reported in the literature in individuals affected with SAMD11-related conditions. Algorithms developed to predict the effect of missense changes on protein structure and function are either unavailable or do not agree on the potential impact of this missense change (SIFT: "Deleterious"; PolyPhen-2: "Benign"; Align-GVGD: "Class C0"). In summary, the available evidence is currently insufficient to determine the role of this variant in disease. Therefore, it has been classified as a Variant of Uncertain Significance.